The following is an entry in ClinVar:

NM_004551.3(NDUFS3):c.79C>T (p.Pro27Ser)

Gene: NDUFS3 (NADH:ubiquinone oxidoreductase core subunit S3; plus strand). Cytogenetic location: 11p11.2.
Variant type: single nucleotide variant.
Coding change: c.79C>T on transcript NM_004551.3 (MANE Select); coding-DNA position 79, C replaced by T.
Protein change: p.Pro27Ser; replaces proline 27 with serine.
Molecular consequence: missense variant.
Genome position (GRCh38, 1-based): chr11:47,579,280, C>T. VCF-style: chr11-47579280-C-T. GRCh37 (hg19) VCF-style: chr11-47600832-C-T.
Other names: p.P27S:CCC>TCC; short protein forms P27S.
Identifiers: ClinVar variation 214803 (VCV000214803.10), dbSNP rs368907187, ClinGen allele CA321939.
Genomic context (GRCh38, chr11:47,579,280, plus strand): 5'-CTCCTCAGGGCTCATCCCGCGCGTCTGTGCCTTTTATCTCCCTGTGCAGGGACTGGGCGA[C>T]CCTCCGTTCTGTTGCTGCCGGTGAGGCGGGAGAGCGCCGGGGCCGACACGCGCCGTGAGT-3'
Protein context (NP_004542.1, residues 17-37): ASALTRGTGR[Pro27Ser]SVLLLPVRRE

ClinVar aggregate classification (germline): Uncertain significance. Review status: criteria provided, multiple submitters, no conflicts (2 of 4 stars). 5 submissions from 4 submitters: Uncertain significance (5). Last evaluated 2025-04-03.

Conditions:
Leigh syndrome (NULS). Also called: LEIGH SYNDROME, NUCLEAR; Leigh Disease; Leigh's necrotizing encephalopathy; Leigh's disease; Leigh Syndrome (mtDNA deletion); Subacute necrotizing encephalopathy. Identifiers: Orphanet 506, MedGen C2931891, MONDO:0009723, OMIM 256000.
Mitochondrial complex I deficiency, nuclear type 1. Also called: NADH-COENZYME Q REDUCTASE DEFICIENCY; MITOCHONDRIAL NADH DEHYDROGENASE COMPONENT OF COMPLEX I, DEFICIENCY OF. Identifiers: MedGen C6022305, MONDO:0100224, OMIM 252010.
Inborn genetic diseases. Identifiers: MedGen C0950123, MeSH D030342.

Allele frequency attached by ClinVar (database versions not stated): gnomAD 0.00006 and 0.00010; ESP Exome Variant Server 0.00008; TOPMed 0.00009; gnomAD exomes 0.00010 and 0.00013; ExAC 0.00012.
gnomAD v4.1: 165 of 1,614,210 alleles (0.01%); highest among the groups gnomAD compares: Middle Eastern, 0.18%; no homozygotes.

Submissions (5):

Ambry Genetics
Classification: Uncertain significance for Inborn genetic diseases. Last evaluated: 2025-04-03. Review status: criteria provided, single submitter. Criteria: Ambry Variant Classification Scheme 2023. Collection method: clinical testing. Allele origin: germline.

Labcorp Genetics (formerly Invitae), Labcorp
Classification: Uncertain significance. Last evaluated: 2025-01-30. Review status: criteria provided, single submitter. Criteria: Invitae Variant Classification Sherloc (09022015). Collection method: clinical testing. Allele origin: germline.
Comment: This sequence change replaces proline, which is neutral and non-polar, with serine, which is neutral and polar, at codon 27 of the NDUFS3 protein (p.Pro27Ser). This variant is present in population databases (rs368907187, gnomAD 0.04%). This variant has not been reported in the literature in individuals affected with NDUFS3-related conditions. ClinVar contains an entry for this variant (Variation ID: 214803). An algorithm developed to predict the effect of missense changes on protein structure and function (PolyPhen-2) suggests that this variant¬†is likely to be tolerated. In summary, the available evidence is currently insufficient to determine the role of this variant in disease. Therefore, it has been classified as a Variant of Uncertain Significance.

GeneDx
Classification: Uncertain significance. Last evaluated: 2023-04-14. Review status: criteria provided, single submitter. Criteria: GeneDx Variant Classification Process June 2021. Collection method: clinical testing. Allele origin: germline. Affected: yes.
Comment: Has not been previously published as pathogenic or benign to our knowledge; In silico analysis supports that this missense variant has a deleterious effect on protein structure/function

Illumina Laboratory Services, Illumina
Classification: Uncertain significance for Leigh syndrome. Last evaluated: 2018-01-13. Review status: criteria provided, single submitter. Criteria: ICSL Variant Classification Criteria 13 December 2019. Collection method: clinical testing. Allele origin: germline.

Illumina Laboratory Services, Illumina
Classification: Uncertain significance for Mitochondrial complex I deficiency, nuclear type 1. Last evaluated: 2018-01-13. Review status: criteria provided, single submitter. Criteria: ICSL Variant Classification Criteria 13 December 2019. Collection method: clinical testing. Allele origin: germline.